The following is an entry in ClinVar:

NM_005585.5(SMAD6):c.79_81del (p.Ser27del)

Gene: SMAD6 (SMAD family member 6; plus strand). Cytogenetic location: 15q22.31.
Variant type: Deletion.
Coding change: c.79_81del on transcript NM_005585.5 (MANE Select); coding-DNA positions 79 to 81, 3 bases deleted (AGC; older notation c.79_81delAGC).
Protein change: p.Ser27del; deletes serine 27.
Molecular consequence: inframe deletion. On other transcripts: non-coding transcript variant (1).
Genome position (GRCh38, 1-based): chr15:66,703,337-66,703,339, AGC deleted; deleting any 3 consecutive bases within chr15:66,703,335-66,703,339 gives the same sequence; the c. name uses the placement nearest the transcript's 3' end. VCF-style (leftmost placement, unchanged base first): chr15-66703334-GGCA-G. GRCh37 (hg19) VCF-style: chr15-66995672-GGCA-G.
Other names: p.Ser27del; short protein forms S27del.
Identifiers: ClinVar variation 4541964 (VCV004541964.1).

ClinVar aggregate classification (germline): Uncertain significance (1 of 4 stars; one submission).

Submission:

Mayo Clinic Laboratories, Mayo Clinic
Classification: Uncertain significance. Last evaluated: 2025-12-10. Review status: criteria provided, single submitter. Criteria: ACMG Guidelines, 2015. Collection method: clinical testing. Allele origin: germline. Observed: 1 variant allele.
Comment: BS1, PM4